The following is an entry in ClinVar:

NM_002972.4(SBF1):c.426G>A (p.Thr142=)

Gene: SBF1 (SET binding factor 1; minus strand). Cytogenetic location: 22q13.33.
Variant type: single nucleotide variant.
Coding change: c.426G>A on transcript NM_002972.4 (MANE Select); coding-DNA position 426, G replaced by A.
Protein change: p.Thr142=; no amino-acid change (threonine 142 retained).
Molecular consequence: synonymous variant.
Genome position (GRCh38, 1-based): chr22:50,467,544, C>T on the plus strand (G>A on the coding strand, the complement: SBF1 is on the minus strand). VCF-style: chr22-50467544-C-T. GRCh37 (hg19) VCF-style: chr22-50905973-C-T.
Other names: c.429G>A, p.Thr143= (NM_001365819.1, NM_001410794.1); c.426G>A, p.Thr142= (NM_001410795.1, NM_197971.1).
Identifiers: ClinVar variation 2672915 (VCV002672915.23), dbSNP rs757259085, ClinGen allele CA10318105.

ClinVar aggregate classification (germline): Likely benign (1 of 4 stars; one submission).

Allele frequency attached by ClinVar (database versions not stated): ExAC 0.00001; gnomAD exomes 0.00001; TOPMed 0.00001.
gnomAD v4.1: 7 of 1,614,152 alleles (0.00043%); highest among the groups gnomAD compares: East Asian, 0.0045%; no homozygotes.

Submission:

CeGaT Center for Human Genetics Tuebingen
Classification: Likely benign. Last evaluated: 2023-11-01. Review status: criteria provided, single submitter. Criteria: CeGaT Center For Human Genetics Tuebingen Variant Classification Criteria Version 2. Collection method: clinical testing. Allele origin: germline. Affected: yes. Observed: 1 variant allele.
Comment: SBF1: BP4